The following is an entry in ClinVar:

NM_001253697.2(ERBIN):c.3215G>A (p.Ser1072Asn)

Gene: ERBIN (erbb2 interacting protein; plus strand). Cytogenetic location: 5q12.3.
Variant type: single nucleotide variant.
Coding change: c.3215G>A on transcript NM_001253697.2 (MANE Select); coding-DNA position 3215, G replaced by A.
Protein change: p.Ser1072Asn; replaces serine 1072 with asparagine.
Molecular consequence: missense variant.
Genome position (GRCh38, 1-based): chr5:66,054,533, G>A. VCF-style: chr5-66054533-G-A. GRCh37 (hg19) VCF-style: chr5-65350361-G-A.
Other names: c.3215G>A, p.Ser1072Asn (NM_001006600.3, NM_001253698.2, NM_001253699.2 and 1 more transcripts); c.3203G>A, p.Ser1068Asn (NM_001253701.2); short protein forms S1068N, S1072N.
Identifiers: ClinVar variation 2894561 (VCV002894561.3), dbSNP rs898264427, ClinGen allele CA119868577.
Genomic context (GRCh38, chr5:66,054,533, plus strand): 5'-GACATGGGGAAATGTGGGCCATCTCACCAAACGACCGACTTATTCCTGCAGTAACTCGAA[G>A]TACAATCCAGCGACAAAGTAGTGTGTCCTCCACAGCCTCTGTAAATCTTGGTGATCCAGG-3'
Protein context (NP_001240626.1, residues 1062-1082): NDRLIPAVTR[Ser1072Asn]TIQRQSSVSS

ClinVar aggregate classification (germline): Uncertain significance (1 of 4 stars; one submission).

Allele frequency attached by ClinVar (database versions not stated): gnomAD 0.00002; gnomAD exomes 0.00002; TOPMed 0.00002.
gnomAD v4.1: 30 of 1,614,084 alleles (0.0019%); highest among the groups gnomAD compares: Non-Finnish European, 0.0023%; no homozygotes.

Submission:

Labcorp Genetics (formerly Invitae), Labcorp
Classification: Uncertain significance. Last evaluated: 2023-07-21. Review status: criteria provided, single submitter. Criteria: Invitae Variant Classification Sherloc (09022015). Collection method: clinical testing. Allele origin: germline.
Comment: This variant is present in population databases (no rsID available, gnomAD 0.004%). In summary, the available evidence is currently insufficient to determine the role of this variant in disease. Therefore, it has been classified as a Variant of Uncertain Significance. Algorithms developed to predict the effect of missense changes on protein structure and function output the following: SIFT: "Not Available"; PolyPhen-2: "Benign"; Align-GVGD: "Not Available". The asparagine amino acid residue is found in multiple mammalian species, which suggests that this missense change does not adversely affect protein function. This variant has not been reported in the literature in individuals affected with ERBIN-related conditions. This sequence change replaces serine, which is neutral and polar, with asparagine, which is neutral and polar, at codon 1072 of the ERBIN protein (p.Ser1072Asn).